The following is an entry in ClinVar:

NM_001009944.3(PKD1):c.6451G>C (p.Val2151Leu)

Gene: PKD1 (polycystin 1, transient receptor potential channel interacting; minus strand). Cytogenetic location: 16p13.3.
Variant type: single nucleotide variant.
Coding change: c.6451G>C on transcript NM_001009944.3 (MANE Select); coding-DNA position 6451, G replaced by C.
Protein change: p.Val2151Leu; replaces valine 2151 with leucine.
Molecular consequence: missense variant.
Genome position (GRCh38, 1-based): chr16:2,108,716, C>G on the plus strand (G>C on the coding strand, the complement: PKD1 is on the minus strand). VCF-style: chr16-2108716-C-G. GRCh37 (hg19) VCF-style: chr16-2158717-C-G.
Other names: c.6451G>C, p.Val2151Leu (NM_000296.4); short protein forms V2151L.
Identifiers: ClinVar variation 4532236 (VCV004532236.1).

ClinVar aggregate classification (germline): Uncertain significance (1 of 4 stars; one submission).

Conditions:
Polycystic kidney disease, adult type (PKD1). Also called: Polycystic Kidney, Autosomal Dominant; POLYCYSTIC KIDNEY DISEASE, ADULT, TYPE I; Polycystic Kidney Disease 1, Autosomal Dominant; Polycystic kidney disease 1; Polycystic kidney disease 1, severe; POLYCYSTIC KIDNEY DISEASE 1 WITH OR WITHOUT POLYCYSTIC LIVER DISEASE. Identifiers: MedGen C3149841, MONDO:0008263, OMIM 173900.

gnomAD v4.1: 6 of 1,570,452 alleles (0.00038%); highest among the groups gnomAD compares: Non-Finnish European, 0.00052%; no homozygotes.

Submission:

MVZ Medizinische Genetik Mainz
Classification: Uncertain significance for Polycystic kidney disease, adult type. Last evaluated: 2025-10-29. Review status: criteria provided, single submitter. Criteria: UK Practice Guidelines For Variant Classification V4 01 2020. Collection method: clinical testing. Allele origin: germline. Inheritance: Autosomal dominant inheritance. Affected: yes. Observed: 1 variant allele.
Comment: ACMG Criteria: PM2_SUP,PP4,BP4